The following is an entry in ClinVar:

ClinVar aggregate classification (germline): Benign. Review status: criteria provided, multiple submitters, no conflicts (2 of 4 stars). 6 submissions from 6 submitters: Benign (6). Last evaluated 2026-06-03.

Conditions:
Ellis-van Creveld syndrome (EVC). Also called: Chondroectodermal dysplasia; MESOECTODERMAL DYSPLASIA. Identifiers: Orphanet 289, MedGen C0013903, MONDO:0009162, OMIM 225500.
Curry-Hall syndrome (WAD). Also called: WEYERS ACRODENTAL DYSOSTOSIS. Identifiers: Orphanet 952, MedGen C0457013, MONDO:0008673, OMIM 193530.

Allele frequency attached by ClinVar (database versions not stated): gnomAD 0.00617 and 0.00672; gnomAD exomes 0.00063 and 0.00163; ExAC 0.00193; 1000 Genomes Project 30x 0.00500; TOPMed 0.00712; ESP Exome Variant Server 0.00746; 1000 Genomes Project 0.00439.
gnomAD v4.1: 1,911 of 1,614,186 alleles (0.12%); highest among the groups gnomAD compares: African/African-American, 2.3%; 29 homozygotes.

Submissions (6):

Women's Health and Genetics/Laboratory Corporation of America, LabCorp
Classification: Benign. Last evaluated: 2026-06-03. Review status: criteria provided, single submitter. Criteria: LabCorp Variant Classification Summary - May 2015. Collection method: clinical testing. Allele origin: germline.
Comment: Variant summary: EVC2 c.1198A>G (p.Thr400Ala) results in a non-conservative amino acid change in the encoded protein sequence. Algorithms developed to predict the effect of missense changes on protein structure and function are either unavailable or do not agree on the potential impact of this missense change. The variant allele was found at a frequency of 0.0016 in 251346 control chromosomes, predominantly at a frequency of 0.023 within the African or African-American subpopulation in the gnomAD database, including 11 homozygotes. The observed variant frequency within African or African-American control individuals in the gnomAD database exceeds the estimated maximal expected allele frequency for disease-causing variants in EVC2. To our knowledge, no occurrence of c.1198A>G in individuals affected with EVC2-related conditions and no experimental evidence demonstrating its impact on protein function have been reported. ClinVar contains an entry for this variant (Variation ID: 349089). Based on the evidence outlined above, the variant was classified as benign.

Labcorp Genetics (formerly Invitae), Labcorp
Classification: Benign for Curry-Hall syndrome; Ellis-van Creveld syndrome. Last evaluated: 2026-02-01. Review status: criteria provided, single submitter. Criteria: Invitae Variant Classification Sherloc (09022015). Collection method: clinical testing. Allele origin: germline.

ARUP Laboratories, Molecular Genetics and Genomics, ARUP Laboratories
Classification: Benign. Last evaluated: 2025-02-25. Review status: criteria provided, single submitter. Criteria: ARUP Molecular Germline Variant Investigation Process 2024. Collection method: clinical testing. Allele origin: germline.

Illumina Laboratory Services, Illumina
Classification: Benign for Ellis-van Creveld syndrome. Last evaluated: 2018-01-12. Review status: criteria provided, single submitter. Criteria: ICSL Variant Classification Criteria 13 December 2019. Collection method: clinical testing. Allele origin: germline.
Comment: This variant was observed in the ICSL laboratory as part of a predisposition screen in an ostensibly healthy population. It had not been previously curated by ICSL or reported in the Human Gene Mutation Database (HGMD: prior to June 1st, 2018), and was therefore a candidate for classification through an automated scoring system. Utilizing variant allele frequency, disease prevalence and penetrance estimates, and inheritance mode, an automated score was calculated to assess if this variant is too frequent to cause the disease. Based on the score and internal cut-off values, a variant classified as benign is not then subjected to further curation. The score for this variant resulted in a classification of benign for this disease.

GeneDx
Classification: Benign. Last evaluated: 2017-03-28. Review status: criteria provided, single submitter. Criteria: GeneDx Variant Classification (06012015). Collection method: clinical testing. Allele origin: germline. Affected: yes.
Comment: This variant is considered likely benign or benign based on one or more of the following criteria: it is a conservative change, it occurs at a poorly conserved position in the protein, it is predicted to be benign by multiple in silico algorithms, and/or has population frequency not consistent with disease.

Breakthrough Genomics
Classification: Benign. Review status: criteria provided, single submitter. Criteria: ACMG Guidelines, 2015. Collection method: not provided. Allele origin: germline. Inheritance: Autosomal recessive inheritance. Affected: yes.

NM_147127.5(EVC2):c.1198A>G (p.Thr400Ala)

Genes: EVC2 (EvC ciliary complex subunit 2; minus strand), LOC126806961 (BRD4-independent group 4 enhancer GRCh37_chr4:5641443-5642642; plus strand). Cytogenetic location: 4p16.2.
Variant type: single nucleotide variant.
Coding change: c.1198A>G on transcript NM_147127.5 (MANE Select); coding-DNA position 1198, A replaced by G.
Protein change: p.Thr400Ala; replaces threonine 400 with alanine.
Molecular consequence: missense variant.
Genome position (GRCh38, 1-based): chr4:5,640,786, T>C on the plus strand (A>G on the coding strand, the complement: EVC2 is on the minus strand). VCF-style: chr4-5640786-T-C. GRCh37 (hg19) VCF-style: chr4-5642513-T-C.
Other names: c.958A>G, p.Thr320Ala (NM_001166136.2); short protein forms T400A, T320A.
Identifiers: ClinVar variation 349089 (VCV000349089.28), dbSNP rs138972736, ClinGen allele CA2835123.